The following is an entry in ClinVar:

NM_000202.8(IDS):c.1035G>C (p.Trp345Cys)

Genes: IDS (iduronate 2-sulfatase; minus strand), LOC106050102 (IDS recombination region; plus strand). Cytogenetic location: Xq28.
Variant type: single nucleotide variant.
Coding change: c.1035G>C on transcript NM_000202.8 (MANE Select); coding-DNA position 1035, G replaced by C.
Protein change: p.Trp345Cys; replaces tryptophan 345 with cysteine.
Molecular consequence: missense variant.
Genome position (GRCh38, 1-based): chrX:149,487,070, C>G on the plus strand (G>C on the coding strand, the complement: IDS is on the minus strand). VCF-style: chrX-149487070-C-G. GRCh37 (hg19) VCF-style: chrX-148568601-C-G.
Other names: c.765G>C, p.Trp255Cys (NM_001166550.4); short protein forms W255C, W345C.
Identifiers: ClinVar variation 3255935 (VCV003255935.2).
Genomic context (GRCh38, chrX:149,487,070, plus strand): 5'-TCCAGGAACATAGAATATCAGGGGAACATGGGTAGCAACATCAAAATTGCTGTATTTGGC[C>G]CATTCTCCATGTTCACCTAGAGCCCACCCTAGTTCATAAAAAGCACAGAATGACAGAAAA-3'
Protein context (NP_000193.1, residues 335-355): HGWALGEHGE[Trp345Cys]AKYSNFDVAT

ClinVar aggregate classification (germline): Likely pathogenic (1 of 4 stars; one submission).

Conditions:
Mucopolysaccharidosis, MPS-II (MPS2). Also called: Hunter Syndrome; IDURONATE 2-SULFATASE DEFICIENCY; Mucopolysaccharidosis Type II; Mucopolysaccharidosis type 2; Attenuated MPS (subtype; formerly known as mild MPS II); Severe MPS II. Identifiers: Orphanet 580, Orphanet 79388, MedGen C0026705, MONDO:0010674, OMIM 309900.

Submission:

Laboratory of Diagnosis and Therapy of Lysosomal Disorders, University of Padova
Classification: Likely pathogenic for Mucopolysaccharidosis, MPS-II. Last evaluated: 2024-06-07. Review status: criteria provided, single submitter. Criteria: ACMG Guidelines, 2015. Collection method: literature only. Allele origin: germline. Affected: yes. Observed: 3 variant alleles.
Comment: Absent from controls (or at low frequency) in gnomAD database (PM2_Moderate), Missense variant in a gene with a low rate of benign missense variation (PP2_Supporting), Multiple lines of computational evidence support a deleterious effect (PP3_Supporting), Patient’s phenotype or family history highly specific for the disease (PP4_Moderate)

Classification method: ACMG Guidelines [PMID:25741868] with modifications

Literature cited by the submitters: PubMed 35916809; PubMed 33676511.